The following is an entry in ClinVar:

NM_003865.3(HESX1):c.37G>T (p.Glu13Ter)

Gene: HESX1 (HESX homeobox 1; minus strand). Cytogenetic location: 3p14.3.
Variant type: single nucleotide variant.
Coding change: c.37G>T on transcript NM_003865.3 (MANE Select); coding-DNA position 37, G replaced by T.
Protein change: p.Glu13Ter; replaces glutamic acid 13 with a stop codon.
Molecular consequence: nonsense.
Genome position (GRCh38, 1-based): chr3:57,199,882, C>A on the plus strand (G>T on the coding strand, the complement: HESX1 is on the minus strand). VCF-style: chr3-57199882-C-A. GRCh37 (hg19) VCF-style: chr3-57233910-C-A.
Other names: c.37G>T, p.Glu13Ter (NM_001376058.1, NM_001376059.1, NM_001376060.1 and 1 more transcripts); short protein forms E13*.
Identifiers: ClinVar variation 5006670 (VCV005006670.2).

ClinVar aggregate classification (germline): Uncertain significance (1 of 4 stars; one submission).

Conditions:
Septo-optic dysplasia sequence (SOD). Also called: DE MORSIER SYNDROME; Septo-optic dysplasia. Identifiers: Orphanet 3157, MedGen C0338503, MONDO:0008428, OMIM 182230, HP:0100842.

Submission:

Juno Genomics, Hangzhou Juno Genomics, Inc
Classification: Uncertain significance for Septo-optic dysplasia sequence. Review status: criteria provided, single submitter. Criteria: ACMG Guidelines, 2015. Collection method: clinical testing. Allele origin: germline.
Comment: Absent from controls (or at extremely low frequency if recessive) in Genome Aggregation Database.